The following is an entry in ClinVar:

ClinVar aggregate classification (germline): Uncertain significance (1 of 4 stars; one submission).

gnomAD v4.1: 3 of 1,614,236 alleles (0.00019%); highest among the groups gnomAD compares: Non-Finnish European, 0.00025%; no homozygotes.

Submission:

GeneDx
Classification: Uncertain significance. Last evaluated: 2024-05-23. Review status: criteria provided, single submitter. Criteria: GeneDx Variant Classification Process June 2021. Collection method: clinical testing. Allele origin: germline. Affected: yes.
Comment: Not observed at significant frequency in large population cohorts (gnomAD); In silico analysis indicates that this missense variant does not alter protein structure/function; Has not been previously published as pathogenic or benign to our knowledge

NM_018706.7(DHTKD1):c.1484T>C (p.Met495Thr)

Gene: DHTKD1 (dehydrogenase E1 and transketolase domain containing 1; plus strand). Cytogenetic location: 10p14.
Variant type: single nucleotide variant.
Coding change: c.1484T>C on transcript NM_018706.7 (MANE Select); coding-DNA position 1484, T replaced by C.
Protein change: p.Met495Thr; replaces methionine 495 with threonine.
Molecular consequence: missense variant.
Genome position (GRCh38, 1-based): chr10:12,097,809, T>C. VCF-style: chr10-12097809-T-C. GRCh37 (hg19) VCF-style: chr10-12139808-T-C.
Other names: short protein forms M495T.
Identifiers: ClinVar variation 3383630 (VCV003383630.1).